The following is an entry in ClinVar:

NM_004795.4(KL):c.288C>T (p.His96=)

Gene: KL (klotho; plus strand). Cytogenetic location: 13q13.1.
Variant type: single nucleotide variant.
Coding change: c.288C>T on transcript NM_004795.4 (MANE Select); coding-DNA position 288, C replaced by T.
Protein change: p.His96=; no amino-acid change (histidine 96 retained).
Molecular consequence: synonymous variant.
Genome position (GRCh38, 1-based): chr13:33,016,728, C>T. VCF-style: chr13-33016728-C-T. GRCh37 (hg19) VCF-style: chr13-33590866-C-T.
Identifiers: ClinVar variation 4821976 (VCV004821976.4).

ClinVar aggregate classification (germline): Likely benign (1 of 4 stars; one submission).

gnomAD v4.1: 5 of 1,610,002 alleles (0.00031%); highest among the groups gnomAD compares: Non-Finnish European, 0.00042%; no homozygotes.

Submission:

CeGaT Center for Human Genetics Tuebingen
Classification: Likely benign. Last evaluated: 2026-01-01. Review status: criteria provided, single submitter. Criteria: CeGaT Center For Human Genetics Tuebingen Variant Classification Criteria Version 2. Collection method: clinical testing. Allele origin: germline. Affected: yes. Observed: 1 variant allele.
Comment: KL: BP4, BP7